The following is an entry in ClinVar:

NM_199420.4(POLQ):c.7640C>T (p.Ala2547Val)

Gene: POLQ (DNA polymerase theta; minus strand). Cytogenetic location: 3q13.33.
Variant type: single nucleotide variant.
Coding change: c.7640C>T on transcript NM_199420.4 (MANE Select); coding-DNA position 7640, C replaced by T.
Protein change: p.Ala2547Val; replaces alanine 2547 with valine.
Molecular consequence: missense variant.
Genome position (GRCh38, 1-based): chr3:121,432,937, G>A on the plus strand (C>T on the coding strand, the complement: POLQ is on the minus strand). VCF-style: chr3-121432937-G-A. GRCh37 (hg19) VCF-style: chr3-121151784-G-A.
Other names: short protein forms A2547V.
Identifiers: ClinVar variation 3057175 (VCV003057175.2), dbSNP rs2306211, ClinGen allele CA2562117.

ClinVar aggregate classification (germline): Benign (0 of 4 stars; one submission).

Conditions:
POLQ-related disorder. Also called: POLQ-related condition.

Allele frequency attached by ClinVar (database versions not stated): ESP Exome Variant Server 0.01261; gnomAD 0.01682; TOPMed 0.01693; gnomAD exomes 0.02104; ExAC 0.02591; 1000 Genomes Project 30x 0.03154; 1000 Genomes Project 0.03375.
gnomAD v4.1: 33,141 of 1,591,654 alleles (2.1%); highest among the groups gnomAD compares: East Asian, 7.7%; 653 homozygotes.

Submission:

PreventionGenetics, part of Exact Sciences
Classification: Benign for POLQ-related condition. Last evaluated: 2019-02-26. Review status: no assertion criteria provided. Collection method: clinical testing. Allele origin: germline.
Comment: This variant is classified as benign based on ACMG/AMP sequence variant interpretation guidelines (Richards et al. 2015 PMID: 25741868, with internal and published modifications).